The following is an entry in ClinVar:

NM_004656.4(BAP1):c.1337A>C (p.Asn446Thr)

Gene: BAP1 (BRCA1 associated deubiquitinase 1; minus strand). Cytogenetic location: 3p21.1.
Variant type: single nucleotide variant.
Coding change: c.1337A>C on transcript NM_004656.4 (MANE Select); coding-DNA position 1337, A replaced by C.
Protein change: p.Asn446Thr; replaces asparagine 446 with threonine.
Molecular consequence: missense variant.
Genome position (GRCh38, 1-based): chr3:52,403,808, T>G on the plus strand (A>C on the coding strand, the complement: BAP1 is on the minus strand). VCF-style: chr3-52403808-T-G. GRCh37 (hg19) VCF-style: chr3-52437824-T-G.
Other names: short protein forms N446T.
Identifiers: ClinVar variation 660841 (VCV000660841.15), dbSNP rs751399960, ClinGen allele CA353102035.

ClinVar aggregate classification (germline): Conflicting classifications of pathogenicity. Review status: criteria provided, conflicting classifications (1 of 4 stars). 5 submissions from 5 submitters: Uncertain significance (4); Benign (1). Last evaluated 2025-10-12.

Conditions:
BAP1-related tumor predisposition syndrome (TPDS1). Also called: BAP1 tumor predisposition syndrome; Tumor susceptibility linked to germline BAP1 mutations; COMMON Syndrome; TUMOR PREDISPOSITION SYNDROME 1. Identifiers: Orphanet 289539, MedGen C3280492, MONDO:0013692, OMIM 614327.
Hereditary cancer-predisposing syndrome. Also called: Neoplastic Syndromes, Hereditary; Tumor predisposition; Hereditary neoplastic syndrome; Hereditary Cancer Syndrome. Identifiers: Orphanet 140162, MedGen C0027672, MeSH D009386, MONDO:0015356.

Allele frequency attached by ClinVar (database versions not stated): TOPMed 0.00002.
gnomAD v4.1: 11 of 1,613,972 alleles (0.00068%); highest among the groups gnomAD compares: Admixed American, 0.018%; no homozygotes.

Submissions (5):

Labcorp Genetics (formerly Invitae), Labcorp
Classification: Uncertain significance for BAP1-related tumor predisposition syndrome. Last evaluated: 2025-10-12. Review status: criteria provided, single submitter. Criteria: Invitae Variant Classification Sherloc (09022015). Collection method: clinical testing. Allele origin: germline.
Comment: This sequence change replaces asparagine, which is neutral and polar, with threonine, which is neutral and polar, at codon 446 of the BAP1 protein (p.Asn446Thr). This variant is present in population databases (no rsID available, gnomAD 0.01%). This variant has not been reported in the literature in individuals affected with BAP1-related conditions. ClinVar contains an entry for this variant (Variation ID: 660841). Invitae Evidence Modeling of protein sequence and biophysical properties (such as structural, functional, and spatial information, amino acid conservation, physicochemical variation, residue mobility, and thermodynamic stability) indicates that this missense variant is not expected to disrupt BAP1 protein function with a negative predictive value of 80%. In summary, the available evidence is currently insufficient to determine the role of this variant in disease. Therefore, it has been classified as a Variant of Uncertain Significance.

Ambry Genetics
Classification: Benign for Hereditary cancer-predisposing syndrome. Last evaluated: 2025-02-04. Review status: criteria provided, single submitter. Criteria: Ambry Variant Classification Scheme 2023. Collection method: clinical testing. Allele origin: germline.

GeneDx
Classification: Uncertain significance. Last evaluated: 2024-07-03. Review status: criteria provided, single submitter. Criteria: GeneDx Variant Classification Process June 2021. Collection method: clinical testing. Allele origin: germline. Affected: yes.
Comment: Not observed at significant frequency in large population cohorts (gnomAD); In silico analysis indicates that this missense variant does not alter protein structure/function; Has not been previously published as pathogenic or benign to our knowledge

Quest Diagnostics Nichols Institute San Juan Capistrano
Classification: Uncertain significance. Last evaluated: 2024-07-02. Review status: criteria provided, single submitter. Criteria: Quest Diagnostics criteria. Collection method: clinical testing. Allele origin: unknown.
Comment: The BAP1 c.1337A>C (p.Asn446Thr) variant, to the best of our knowledge, has not been reported in the published literature. The frequency of this variant in the general population, 0.00012 (4/34586 chromosomes (Genome Aggregation Database)), is uninformative in the assessment of its pathogenicity. Analysis of this variant using bioinformatics tools for the prediction of the effect of amino acid changes on protein structure and function yielded predictions that this variant is benign. Based on the available information, we are unable to determine the clinical significance of this variant.

Baylor Genetics
Classification: Uncertain significance for BAP1-related tumor predisposition syndrome. Last evaluated: 2023-07-19. Review status: criteria provided, single submitter. Criteria: ACMG Guidelines, 2015. Collection method: clinical testing. Allele origin: unknown.

Literature cited by the submitters: PubMed 38969833 (cited by Ambry Genetics).